The following is an entry in ClinVar:

ClinVar aggregate classification (germline): Uncertain significance (1 of 4 stars; one submission).

Allele frequency attached by ClinVar (database versions not stated): gnomAD exomes 0.00001; ExAC 0.00008.
gnomAD v4.1: 17 of 1,611,930 alleles (0.0011%); highest among the groups gnomAD compares: Non-Finnish European, 0.00042%; 1 homozygote.

Submission:

Ambry Genetics
Classification: Uncertain significance. Last evaluated: 2021-08-13. Review status: criteria provided, single submitter. Criteria: Ambry Variant Classification Scheme 2023. Collection method: clinical testing. Allele origin: germline.
Comment: The p.F341L variant (also known as c.1021T>C), located in coding exon 11 of the PRKDC gene, results from a T to C substitution at nucleotide position 1021. The phenylalanine at codon 341 is replaced by leucine, an amino acid with highly similar properties. This amino acid position is conserved. In addition, the in silico prediction for this alteration is inconclusive. Since supporting evidence is limited at this time, the clinical significance of this alteration remains unclear.

NM_006904.7(PRKDC):c.1021T>C (p.Phe341Leu)

Gene: PRKDC (protein kinase, DNA-activated, catalytic subunit; minus strand). Cytogenetic location: 8q11.21.
Variant type: single nucleotide variant.
Coding change: c.1021T>C on transcript NM_006904.7 (MANE Select); coding-DNA position 1021, T replaced by C.
Protein change: p.Phe341Leu; replaces phenylalanine 341 with leucine.
Molecular consequence: missense variant.
Genome position (GRCh38, 1-based): chr8:47,939,643, A>G on the plus strand (T>C on the coding strand, the complement: PRKDC is on the minus strand). VCF-style: chr8-47939643-A-G. GRCh37 (hg19) VCF-style: chr8-48852203-A-G.
Other names: c.1021T>C, p.Phe341Leu (NM_001081640.2); short protein forms F341L.
Identifiers: ClinVar variation 1761947 (VCV001761947.2), dbSNP rs754922225, ClinGen allele CA4741847.